The following is an entry in ClinVar:

ClinVar aggregate classification (germline): Uncertain significance (1 of 4 stars; one submission).

Conditions:
Cardiovascular phenotype. Identifiers: MedGen CN230736.

Allele frequency attached by ClinVar (database versions not stated): gnomAD exomes below 0.00001.
gnomAD v4.1: 1 of 1,612,238 alleles (0.000062%); highest among the groups gnomAD compares: Non-Finnish European, 0.000085%; no homozygotes.

Submission:

Ambry Genetics
Classification: Uncertain significance for Cardiovascular phenotype. Last evaluated: 2022-08-30. Review status: criteria provided, single submitter. Criteria: Ambry Variant Classification Scheme 2023. Collection method: clinical testing. Allele origin: germline.
Comment: The p.S101T variant (also known as c.301T>A), located in coding exon 1 of the FLNC gene, results from a T to A substitution at nucleotide position 301. The serine at codon 101 is replaced by threonine, an amino acid with similar properties. This amino acid position is conserved. In addition, this alteration is predicted to be tolerated by in silico analysis. Since supporting evidence is limited at this time, the clinical significance of this alteration remains unclear.

NM_001458.5(FLNC):c.301T>A (p.Ser101Thr)

Gene: FLNC (filamin C; plus strand). Cytogenetic location: 7q32.1.
Variant type: single nucleotide variant.
Coding change: c.301T>A on transcript NM_001458.5 (MANE Select); coding-DNA position 301, T replaced by A.
Protein change: p.Ser101Thr; replaces serine 101 with threonine.
Molecular consequence: missense variant.
Genome position (GRCh38, 1-based): chr7:128,830,938, T>A. VCF-style: chr7-128830938-T-A. GRCh37 (hg19) VCF-style: chr7-128470992-T-A.
Other names: c.301T>A, p.Ser101Thr (NM_001127487.2); short protein forms S101T.
Identifiers: ClinVar variation 1798907 (VCV001798907.2), dbSNP rs2536605675, ClinGen allele CA369216935.
Genomic context (GRCh38, chr7:128,830,938, plus strand): 5'-CGCATGTACCGCAAGTTCCATCCGCGCCCCAACTTCCGCCAAATGAAGCTGGAGAACGTG[T>A]CCGTGGCCCTCGAGTTCCTCGAGCGCGAGCACATCAAGCTCGTGTCCATAGGTCAGTGCC-3'
Protein context (NP_001449.3, residues 91-111): NFRQMKLENV[Ser101Thr]VALEFLEREH